The following is an entry in ClinVar:

NM_031206.7(LAS1L):c.1462A>G (p.Met488Val)

Gene: LAS1L (LAS1 like ribosome biogenesis factor; minus strand). Cytogenetic location: Xq12.
Variant type: single nucleotide variant.
Coding change: c.1462A>G on transcript NM_031206.7 (MANE Select); coding-DNA position 1462, A replaced by G.
Protein change: p.Met488Val; replaces methionine 488 with valine.
Molecular consequence: missense variant. On other transcripts: non-coding transcript variant (1).
Genome position (GRCh38, 1-based): chrX:65,518,452, T>C on the plus strand (A>G on the coding strand, the complement: LAS1L is on the minus strand). VCF-style: chrX-65518452-T-C. GRCh37 (hg19) VCF-style: chrX-64738332-T-C.
Other names: c.1411A>G, p.Met471Val (NM_001170649.2, NM_001375333.1); c.1285A>G, p.Met429Val (NM_001170650.2); c.1462A>G, p.Met488Val (NM_001375328.1); c.505A>G, p.Met169Val (NM_001375332.1); short protein forms M169V, M429V, M471V, M488V.
Identifiers: ClinVar variation 1809939 (VCV001809939.3), dbSNP rs2522505514, ClinGen allele CA413315774.

ClinVar aggregate classification (germline): Uncertain significance (1 of 4 stars; one submission).

Submission:

GeneDx
Classification: Uncertain significance. Last evaluated: 2025-10-24. Review status: criteria provided, single submitter. Criteria: GeneDx Variant Classification Process June 2021. Collection method: clinical testing. Allele origin: germline. Affected: yes.
Comment: Not observed at significant frequency in large population cohorts (gnomAD); In silico analysis suggests that this missense variant does not alter protein structure/function; Has not been previously published as pathogenic or benign to our knowledge